The following is an entry in ClinVar:

ClinVar aggregate classification (germline): Uncertain significance (1 of 4 stars; one submission).

Submission:

Quest Diagnostics Nichols Institute San Juan Capistrano
Classification: Uncertain significance. Last evaluated: 2023-08-17. Review status: criteria provided, single submitter. Criteria: Quest Diagnostics criteria. Collection method: clinical testing. Allele origin: unknown.
Comment: To the best of our knowledge, this variant has not been reported in the published literature. This variant has not been reported in large, multi-ethnic general populations (Genome Aggregation Database). Analysis of this variant using bioinformatics tools for the prediction of the effect of amino acid changes on protein structure and function yielded conflicting predictions that this variant is benign or damaging. Based on the available information, we are unable to determine the clinical significance of this variant.

NM_000552.5(VWF):c.4607A>C (p.His1536Pro)

Gene: VWF (von Willebrand factor; minus strand). Cytogenetic location: 12p13.31.
Variant type: single nucleotide variant.
Coding change: c.4607A>C on transcript NM_000552.5 (MANE Select); coding-DNA position 4607, A replaced by C.
Protein change: p.His1536Pro; replaces histidine 1536 with proline.
Molecular consequence: missense variant.
Genome position (GRCh38, 1-based): chr12:6,018,811, T>G on the plus strand (A>C on the coding strand, the complement: VWF is on the minus strand). VCF-style: chr12-6018811-T-G. GRCh37 (hg19) VCF-style: chr12-6127977-T-G.
Other names: short protein forms H1536P.
Identifiers: ClinVar variation 2682115 (VCV002682115.1), dbSNP rs1277873576, ClinGen allele CA383500865.
Genomic context (GRCh38, chr12:6,018,811, plus strand): 5'-TGTGCCTCGCTGAAGGGGTACTCCACAGTCACCATGTAGGAGTACTGCAGCACCGTGACG[T>G]GGATGCTGTCCTGGCCCACATCCATCCGCTGAATCACCTCCTCCATGAACTCCTTGCTCC-3'
Protein context (NP_000543.3, residues 1526-1546): QRMDVGQDSI[His1536Pro]VTVLQYSYMV